The following is an entry in ClinVar:

NM_001286445.3(RIPOR2):c.188+28A>T

Gene: RIPOR2 (RHO family interacting cell polarization regulator 2; minus strand). Cytogenetic location: 6p22.3.
Variant type: single nucleotide variant.
Coding change: c.188+28A>T on transcript NM_001286445.3 (MANE Select); 28 bases into the intron after coding-DNA position 188, A replaced by T.
Molecular consequence: intron variant.
Genome position (GRCh38, 1-based): chr6:24,875,663, T>A on the plus strand (A>T on the coding strand, the complement: RIPOR2 is on the minus strand). VCF-style: chr6-24875663-T-A. GRCh37 (hg19) VCF-style: chr6-24875891-T-A.
Other names: c.101+28A>T (NM_001346031.2, NM_014722.5, NM_001346032.2 and 2 more transcripts); c.203+28A>T (NM_001286446.3).
Identifiers: ClinVar variation 683134 (VCV000683134.1), dbSNP rs73729061, ClinGen allele CA3659624.
Genomic context (GRCh38, chr6:24,875,663, plus strand): 5'-AGGCTGAATGCACACAGACCCTCTTCACAACATCAAAGTTCACTTCCTTGGCAAGCTGCA[T>A]CCCGGGAGAGAACCACACAGTACTTGCCTGGATCGCCTTTCCTGGAGGCCGCTGAAACCC-3'

ClinVar aggregate classification (germline): Benign (1 of 4 stars; one submission).

Allele frequency attached by ClinVar (database versions not stated): gnomAD exomes 0.00785; ExAC 0.01252; gnomAD 0.01994; ESP Exome Variant Server 0.02205; TOPMed 0.02206; 1000 Genomes Project 0.02416; 1000 Genomes Project 30x 0.02748.
gnomAD v4.1: 10,499 of 1,601,400 alleles (0.66%); highest among the groups gnomAD compares: African/African-American, 6%; 164 homozygotes.

Submission:

GeneDx
Classification: Benign. Last evaluated: 2018-06-16. Review status: criteria provided, single submitter. Criteria: GeneDx Variant Classification (06012015). Collection method: clinical testing. Allele origin: germline. Affected: yes.
Comment: This variant is considered likely benign or benign based on one or more of the following criteria: it is a conservative change, it occurs at a poorly conserved position in the protein, it is predicted to be benign by multiple in silico algorithms, and/or has population frequency not consistent with disease.